The following is an entry in ClinVar:

ClinVar aggregate classification (germline): Uncertain significance (1 of 4 stars; one submission).

Conditions:
Progressive myoclonic epilepsy. Also called: Myoclonic Epilepsies, Progressive; Familial progressive myoclonic epilepsy; Myoclonus epilepsy; Progressive myoclonus epilepsy. Identifiers: Orphanet 308, Orphanet 98261, MedGen C0751778, MONDO:0020074.

Allele frequency attached by ClinVar (database versions not stated): gnomAD exomes below 0.00001.
gnomAD v4.1: 1 of 1,614,010 alleles (0.000062%); highest among the groups gnomAD compares: Non-Finnish European, 0.000085%; no homozygotes.

Submission:

Labcorp Genetics (formerly Invitae), Labcorp
Classification: Uncertain significance for Progressive myoclonic epilepsy. Last evaluated: 2022-08-17. Review status: criteria provided, single submitter. Criteria: Invitae Variant Classification Sherloc (09022015). Collection method: clinical testing. Allele origin: germline.
Comment: In summary, the available evidence is currently insufficient to determine the role of this variant in disease. Therefore, it has been classified as a Variant of Uncertain Significance. Algorithms developed to predict the effect of missense changes on protein structure and function (SIFT, PolyPhen-2, Align-GVGD) all suggest that this variant is likely to be disruptive. This variant has not been reported in the literature in individuals affected with SCARB2-related conditions. This variant is not present in population databases (gnomAD no frequency). This sequence change replaces asparagine, which is neutral and polar, with serine, which is neutral and polar, at codon 71 of the SCARB2 protein (p.Asn71Ser).

NM_005506.4(SCARB2):c.212A>G (p.Asn71Ser)

Gene: SCARB2 (scavenger receptor class B member 2; minus strand). Cytogenetic location: 4q21.1.
Variant type: single nucleotide variant.
Coding change: c.212A>G on transcript NM_005506.4 (MANE Select); coding-DNA position 212, A replaced by G.
Protein change: p.Asn71Ser; replaces asparagine 71 with serine.
Molecular consequence: missense variant.
Genome position (GRCh38, 1-based): chr4:76,195,770, T>C on the plus strand (A>G on the coding strand, the complement: SCARB2 is on the minus strand). VCF-style: chr4-76195770-T-C. GRCh37 (hg19) VCF-style: chr4-77116923-T-C.
Other names: c.212A>G, p.Asn71Ser (NM_001204255.2); short protein forms N71S.
Identifiers: ClinVar variation 2156174 (VCV002156174.4), dbSNP rs2476284407, ClinGen allele CA357327560.